The following is an entry in ClinVar:

ClinVar aggregate classification (germline): Pathogenic (1 of 4 stars; one submission).

Submission:

Labcorp Genetics (formerly Invitae), Labcorp
Classification: Pathogenic. Last evaluated: 2022-03-08. Review status: criteria provided, single submitter. Criteria: Invitae Variant Classification Sherloc (09022015). Collection method: clinical testing. Allele origin: germline.
Comment: This sequence change creates a premature translational stop signal (p.Ile624Serfs*3) in the TUBGCP6 gene. It is expected to result in an absent or disrupted protein product. Loss-of-function variants in TUBGCP6 are known to be pathogenic (PMID: 25344692). This variant is not present in population databases (gnomAD no frequency). For these reasons, this variant has been classified as Pathogenic. Algorithms developed to predict the effect of sequence changes on RNA splicing suggest that this variant may create or strengthen a splice site. ClinVar contains an entry for this variant (Variation ID: 1075129). This variant has not been reported in the literature in individuals affected with TUBGCP6-related conditions.

Literature cited by the submitters: PubMed 25344692.

NM_020461.4(TUBGCP6):c.1869del (p.Ile624fs)

Gene: TUBGCP6 (tubulin gamma complex component 6; minus strand). Cytogenetic location: 22q13.33.
Variant type: Deletion.
Coding change: c.1869del on transcript NM_020461.4 (MANE Select); coding-DNA position 1869, one base deleted (G; older notation c.1869delG).
Protein change: p.Ile624fs; shifts the reading frame from isoleucine 624.
Molecular consequence: frameshift variant.
Genome position (GRCh38, 1-based): chr22:50,225,908, C deleted on the plus strand (G on the coding strand, the reverse complement: TUBGCP6 is on the minus strand); the first of 2 consecutive C bases (chr22:50,225,908-50,225,909); deleting either gives the same sequence. VCF-style (leftmost placement, unchanged base first): chr22-50225907-TC-T. GRCh37 (hg19) VCF-style: chr22-50664336-TC-T.
Other names: short protein forms I624fs.
Identifiers: ClinVar variation 1075129 (VCV001075129.8), dbSNP rs2147187702, ClinGen allele CA2499226222.
Genomic context (GRCh38, chr22:50,225,907, plus strand): 5'-CGTAGACGGCACAGTCCTTCTCAATCTCCTTCAACTCCTCAAGGGAGAAAATCACCGAGA[TC>T]CGGGGGACAGGGACGTCGGACCAACAGAGGTAATGCTGCCAAAGGGGATGCAAGCACAGC-3'